The following is an entry in ClinVar:

ClinVar aggregate classification (germline): Benign/Likely benign. Review status: criteria provided, multiple submitters, no conflicts (2 of 4 stars). 3 submissions from 3 submitters: Benign (1); Likely benign (1). 1 of the submissions does not count toward it. Last evaluated 2026-07-01.

Allele frequency attached by ClinVar (database versions not stated): ESP Exome Variant Server 0.00010; TOPMed 0.00011; 1000 Genomes Project 30x 0.00021; 1000 Genomes Project 0.00026; gnomAD exomes 0.00003 and 0.00006; gnomAD 0.00007 and 0.00008; ExAC 0.00008.
gnomAD v4.1: 47 of 1,205,109 alleles (0.0039%); highest among the groups gnomAD compares: South Asian, 0.027%; no homozygotes.

Submissions (3):

CeGaT Center for Human Genetics Tuebingen
Classification: Likely benign. Last evaluated: 2026-07-01. Review status: criteria provided, single submitter. Criteria: CeGaT Center For Human Genetics Tuebingen Variant Classification Criteria Version 2. Collection method: clinical testing. Allele origin: germline. Affected: yes. Observed: 2 variant alleles.
Comment: AMER1: BP4, BS2

Labcorp Genetics (formerly Invitae), Labcorp
Classification: Benign. Last evaluated: 2025-10-22. Review status: criteria provided, single submitter. Criteria: Invitae Variant Classification Sherloc (09022015). Collection method: clinical testing. Allele origin: germline.

ITMI
No classification provided. Condition: AllHighlyPenetrant. Last evaluated: 2013-09-19. Review status: no classification provided. Collection method: reference population. Allele origin: germline. Not counted in ClinVar's aggregate classification.
Comment: Please see associated publication for description of ethnicities

Literature cited by the submitters: PubMed 24728327 (cited by ITMI).

NM_152424.4(AMER1):c.3271C>T (p.Arg1091Trp)

Gene: AMER1 (APC membrane recruitment protein 1; minus strand). Cytogenetic location: Xq11.2.
Variant type: single nucleotide variant.
Coding change: c.3271C>T on transcript NM_152424.4 (MANE Select); coding-DNA position 3271, C replaced by T.
Protein change: p.Arg1091Trp; replaces arginine 1091 with tryptophan.
Molecular consequence: missense variant.
Genome position (GRCh38, 1-based): chrX:64,190,016, G>A on the plus strand (C>T on the coding strand, the complement: AMER1 is on the minus strand). VCF-style: chrX-64190016-G-A. GRCh37 (hg19) VCF-style: chrX-63409896-G-A.
Other names: short protein forms R1091W.
Identifiers: ClinVar variation 133493 (VCV000133493.16), dbSNP rs375850061, ClinGen allele CA156688.
Genomic context (GRCh38, chrX:64,190,016, plus strand): 5'-TTGACAGGTCAAGGCTGGAAGGCCCATAGTGAGTGGGCTGAGGCTGGGGGTGCTCAGGCC[G>A]GACCCTGGGCAGCTGAGGAATGCCATGGGTGATGCCCACAGGCTTGGCCTGTGGTAGAGG-3'
Protein context (NP_689637.3, residues 1081-1101): THGIPQLPRV[Arg1091Trp]PEHPQPQPTH